The following is an entry in ClinVar:

NM_001923.5(DDB1):c.2069+5G>A

Gene: DDB1 (damage specific DNA binding protein 1; minus strand). Cytogenetic location: 11q12.2.
Variant type: single nucleotide variant.
Coding change: c.2069+5G>A on transcript NM_001923.5 (MANE Select); 5 bases into the intron after coding-DNA position 2069, G replaced by A.
Molecular consequence: intron variant.
Genome position (GRCh38, 1-based): chr11:61,313,494, C>T on the plus strand (G>A on the coding strand, the complement: DDB1 is on the minus strand). VCF-style: chr11-61313494-C-T. GRCh37 (hg19) VCF-style: chr11-61080966-C-T.
Identifiers: ClinVar variation 3054031 (VCV003054031.2), dbSNP rs371466859, ClinGen allele CA6032961.

ClinVar aggregate classification (germline): Likely benign (0 of 4 stars; one submission).

Conditions:
DDB1-related disorder. Also called: DDB1-related condition.

Allele frequency attached by ClinVar (database versions not stated): gnomAD exomes 0.00002; ExAC 0.00007; ESP Exome Variant Server 0.00015; gnomAD 0.00019; TOPMed 0.00019; 1000 Genomes Project 0.00040; 1000 Genomes Project 30x 0.00047.
gnomAD v4.1: 60 of 1,612,960 alleles (0.0037%); highest among the groups gnomAD compares: African/African-American, 0.076%; no homozygotes.

Submission:

PreventionGenetics, part of Exact Sciences
Classification: Likely benign for DDB1-related condition. Last evaluated: 2022-08-02. Review status: no assertion criteria provided. Collection method: clinical testing. Allele origin: germline.
Comment: This variant is classified as likely benign based on ACMG/AMP sequence variant interpretation guidelines (Richards et al. 2015 PMID: 25741868, with internal and published modifications).